The following is an entry in ClinVar:

ClinVar aggregate classification (germline): Uncertain significance (1 of 4 stars; one submission).

Conditions:
Inborn genetic diseases. Identifiers: MedGen C0950123, MeSH D030342.

Submission:

Ambry Genetics
Classification: Uncertain significance for Inborn genetic diseases. Last evaluated: 2025-11-02. Review status: criteria provided, single submitter. Criteria: Ambry Variant Classification Scheme 2023. Collection method: clinical testing. Allele origin: germline.
Comment: The p.S566T variant (also known as c.1697G>C), located in coding exon 10 of the FANCM gene, results from a G to C substitution at nucleotide position 1697. The serine at codon 566 is replaced by threonine, an amino acid with similar properties. This amino acid position is conserved. In addition, the in silico prediction for this alteration is inconclusive. Based on the available evidence, the clinical significance of this variant remains unclear.

NM_020937.4(FANCM):c.1697G>C (p.Ser566Thr)

Gene: FANCM (FA complementation group M; plus strand). Cytogenetic location: 14q21.2.
Variant type: single nucleotide variant.
Coding change: c.1697G>C on transcript NM_020937.4 (MANE Select); coding-DNA position 1697, G replaced by C.
Protein change: p.Ser566Thr; replaces serine 566 with threonine.
Molecular consequence: missense variant.
Genome position (GRCh38, 1-based): chr14:45,164,474, G>C. VCF-style: chr14-45164474-G-C. GRCh37 (hg19) VCF-style: chr14-45633677-G-C.
Other names: c.1619G>C, p.Ser540Thr (NM_001308133.2); c.1697G>C, p.Ser566Thr (NM_001308134.2); short protein forms S566T, S540T.
Identifiers: ClinVar variation 4619556 (VCV004619556.1).